The following is an entry in ClinVar:

NM_000179.3(MSH6):c.3298A>T (p.Thr1100Ser)

Gene: MSH6 (mutS homolog 6; plus strand). Cytogenetic location: 2p16.3.
Variant type: single nucleotide variant.
Coding change: c.3298A>T on transcript NM_000179.3 (MANE Select); coding-DNA position 3298, A replaced by T.
Protein change: p.Thr1100Ser; replaces threonine 1100 with serine.
Molecular consequence: missense variant. On other transcripts: non-coding transcript variant (5), intron variant (1).
Genome position (GRCh38, 1-based): chr2:47,803,545, A>T. VCF-style: chr2-47803545-A-T. GRCh37 (hg19) VCF-style: chr2-48030684-A-T.
Other names: c.2908A>T, p.Thr970Ser (NM_001281492.2); c.2392A>T, p.Thr798Ser (NM_001281493.2, NM_001281494.2, NM_001406811.1 and 6 more transcripts); c.3394A>T, p.Thr1132Ser (NM_001406795.1, NM_001406802.1); c.3298A>T, p.Thr1100Ser (NM_001406796.1, NM_001406800.1, NM_001406808.1 and 1 more transcripts); c.3001A>T, p.Thr1001Ser (NM_001406797.1, NM_001406801.1, NM_001406805.1 and 10 more transcripts); c.2773A>T, p.Thr925Ser (NM_001406799.1, NM_001406806.1, NM_001406807.1); c.2434A>T, p.Thr812Ser (NM_001406803.1); c.3220A>T, p.Thr1074Ser (NM_001406804.1); and 7 more; short protein forms T1132S, T578S, T798S, T970S, T1044S, T1100S, T1001S, T1074S.
Identifiers: ClinVar variation 4760047 (VCV004760047.2).
Genomic context (GRCh38, chr2:47,803,545, plus strand): 5'-CTGTTGCCGGAAGATACCCCCCCCTTCTTAGAGCTTAAAGGATCACGCCATCCTTGCATT[A>T]CGAAGACTTTTTTTGGAGATGATTTTATTCCTAATGACATTCTAATAGGCTGTGAGGAAG-3'
Protein context (NP_000170.1, residues 1090-1110): ELKGSRHPCI[Thr1100Ser]KTFFGDDFIP

ClinVar aggregate classification (germline): Uncertain significance. Review status: criteria provided, multiple submitters, no conflicts (2 of 4 stars). 2 submissions from 2 submitters: Uncertain significance (2). Last evaluated 2026-05-14.

Conditions:
Hereditary cancer-predisposing syndrome. Also called: Neoplastic Syndromes, Hereditary; Tumor predisposition; Hereditary Cancer Syndrome; Hereditary neoplastic syndrome. Identifiers: Orphanet 140162, MedGen C0027672, MeSH D009386, MONDO:0015356.
Hereditary nonpolyposis colorectal neoplasms. Identifiers: MedGen C0009405, MeSH D003123.

Submissions (2):

Ambry Genetics
Classification: Uncertain significance for Hereditary cancer-predisposing syndrome. Last evaluated: 2026-05-14. Review status: criteria provided, single submitter. Criteria: Ambry Variant Classification Scheme 2023. Collection method: clinical testing. Allele origin: germline.
Comment: The p.T1100S variant (also known as c.3298A>T), located in coding exon 5 of the MSH6 gene, results from an A to T substitution at nucleotide position 3298. The threonine at codon 1100 is replaced by serine, an amino acid with similar properties. This amino acid position is conserved. In addition, the in silico prediction for this alteration is inconclusive. Based on the available evidence, the clinical significance of this variant remains unclear.

Labcorp Genetics (formerly Invitae), Labcorp
Classification: Uncertain significance for Hereditary nonpolyposis colorectal neoplasms. Last evaluated: 2025-05-05. Review status: criteria provided, single submitter. Criteria: Invitae Variant Classification Sherloc (09022015). Collection method: clinical testing. Allele origin: germline.
Comment: This sequence change replaces threonine, which is neutral and polar, with serine, which is neutral and polar, at codon 1100 of the MSH6 protein (p.Thr1100Ser). This variant is not present in population databases (gnomAD no frequency). This variant has not been reported in the literature in individuals affected with MSH6-related conditions. Invitae Evidence Modeling of protein sequence and biophysical properties (such as structural, functional, and spatial information, amino acid conservation, physicochemical variation, residue mobility, and thermodynamic stability) indicates that this missense variant is not expected to disrupt MSH6 protein function with a negative predictive value of 95%. In summary, the available evidence is currently insufficient to determine the role of this variant in disease. Therefore, it has been classified as a Variant of Uncertain Significance.